The following is an entry in ClinVar:

ClinVar aggregate classification (germline): Benign/Likely benign. Review status: criteria provided, multiple submitters, no conflicts (2 of 4 stars). 7 submissions from 7 submitters: Benign (4); Likely benign (3). Last evaluated 2026-07-01.

Conditions:
Inborn genetic diseases. Identifiers: MedGen C0950123, MeSH D030342.
Benign neonatal seizures. Also called: Benign neonatal familial convulsions; Benign familial neonatal seizures; Benign familial neonatal epilepsy; Convulsions benign familial neonatal dominant form; Autosomal dominant form of benign neonatal seizures. Identifiers: Orphanet 1949, MedGen C0220669, MONDO:0016027.
Seizures, benign familial neonatal, 2. Also called: Seizures, benign neonatal, 2; KCNQ3-Related Self-Limited Familial Neonatal Epilepsy (SLFNE); CONVULSIONS, BENIGN FAMILIAL NEONATAL, 2; Benign Neonatal Epilepsy 2; KCNQ3-Related Benign Familial Neonatal Epilepsy. Identifiers: Orphanet 1949, MedGen C1852581, MONDO:0007366, OMIM 121201.

Allele frequency attached by ClinVar (database versions not stated): TOPMed 0.00019; ESP Exome Variant Server 0.00031; 1000 Genomes Project 0.00040; gnomAD 0.00043; 1000 Genomes Project 30x 0.00047.
gnomAD v4.1: 530 of 1,614,196 alleles (0.033%); highest among the groups gnomAD compares: Middle Eastern, 0.099%; no homozygotes.

Submissions (7):

CeGaT Center for Human Genetics Tuebingen
Classification: Likely benign. Last evaluated: 2026-07-01. Review status: criteria provided, single submitter. Criteria: CeGaT Center For Human Genetics Tuebingen Variant Classification Criteria Version 2. Collection method: clinical testing. Allele origin: germline. Affected: yes. Observed: 8 variant alleles.
Comment: KCNQ3: BP4, BP7

Labcorp Genetics (formerly Invitae), Labcorp
Classification: Benign for Benign neonatal seizures. Last evaluated: 2025-12-21. Review status: criteria provided, single submitter. Criteria: Invitae Variant Classification Sherloc (09022015). Collection method: clinical testing. Allele origin: germline.

Blueprint Genetics
Classification: Likely benign. Last evaluated: 2024-10-29. Review status: criteria provided, single submitter. Criteria: ACMG Guidelines, 2015. Collection method: clinical testing. Allele origin: germline.

Athena Diagnostics
Classification: Benign. Last evaluated: 2019-07-09. Review status: criteria provided, single submitter. Criteria: Athena Diagnostics Criteria. Collection method: clinical testing. Allele origin: germline.

Illumina Laboratory Services, Illumina
Classification: Benign for Seizures, benign familial neonatal, 2. Last evaluated: 2018-01-12. Review status: criteria provided, single submitter. Criteria: ICSL Variant Classification Criteria 13 December 2019. Collection method: clinical testing. Allele origin: germline.
Comment: This variant was observed in the ICSL laboratory as part of a predisposition screen in an ostensibly healthy population. It had not been previously curated by ICSL or reported in the Human Gene Mutation Database (HGMD: prior to June 1st, 2018), and was therefore a candidate for classification through an automated scoring system. Utilizing variant allele frequency, disease prevalence and penetrance estimates, and inheritance mode, an automated score was calculated to assess if this variant is too frequent to cause the disease. Based on the score and internal cut-off values, a variant classified as benign is not then subjected to further curation. The score for this variant resulted in a classification of benign for this disease.

Ambry Genetics
Classification: Likely benign for Inborn genetic diseases. Last evaluated: 2017-09-06. Review status: criteria provided, single submitter. Criteria: Ambry Variant Classification Scheme 2023. Collection method: clinical testing. Allele origin: germline.

GeneDx
Classification: Benign. Last evaluated: 2013-04-12. Review status: criteria provided, single submitter. Criteria: GeneDx Variant Classification (06012015). Collection method: clinical testing. Allele origin: germline. Affected: yes.
Comment: This variant is considered likely benign or benign based on one or more of the following criteria: it is a conservative change, it occurs at a poorly conserved position in the protein, it is predicted to be benign by multiple in silico algorithms, and/or has population frequency not consistent with disease.

NM_004519.4(KCNQ3):c.2349G>A (p.Thr783=)

Gene: KCNQ3 (potassium voltage-gated channel subfamily Q member 3; minus strand). Cytogenetic location: 8q24.22.
Variant type: single nucleotide variant.
Coding change: c.2349G>A on transcript NM_004519.4 (MANE Select); coding-DNA position 2349, G replaced by A.
Protein change: p.Thr783=; no amino-acid change (threonine 783 retained).
Molecular consequence: synonymous variant.
Genome position (GRCh38, 1-based): chr8:132,129,532, C>T on the plus strand (G>A on the coding strand, the complement: KCNQ3 is on the minus strand). VCF-style: chr8-132129532-C-T. GRCh37 (hg19) VCF-style: chr8-133141779-C-T.
Other names: p.T783T:ACG>ACA; c.1989G>A, p.Thr663= (NM_001204824.2).
Identifiers: ClinVar variation 138052 (VCV000138052.43), dbSNP rs145063831, ClinGen allele CA291849.